The following is an entry in ClinVar:

NM_001379270.1(CNGA1):c.1873C>T (p.Arg625Ter)

Genes: CNGA1 (cyclic nucleotide gated channel subunit alpha 1; minus strand), LOC101927157 (uncharacterized LOC101927157; plus strand). Cytogenetic location: 4p12.
Variant type: single nucleotide variant.
Coding change: c.1873C>T on transcript NM_001379270.1 (MANE Select); coding-DNA position 1873, C replaced by T.
Protein change: p.Arg625Ter; replaces arginine 625 with a stop codon.
Molecular consequence: nonsense.
Genome position (GRCh38, 1-based): chr4:47,936,609, G>A on the plus strand (C>T on the coding strand, the complement: CNGA1 is on the minus strand). VCF-style: chr4-47936609-G-A. GRCh37 (hg19) VCF-style: chr4-47938626-G-A.
Other names: c.1873C>T, p.Arg625Ter (NM_000087.5, NM_001142564.2); short protein forms R625*.
Identifiers: ClinVar variation 972420 (VCV000972420.12), dbSNP rs376959147, ClinGen allele CA2911003.

ClinVar aggregate classification (germline): Pathogenic/Likely pathogenic. Review status: criteria provided, multiple submitters, no conflicts (2 of 4 stars). 4 submissions from 4 submitters: Pathogenic (3); Likely pathogenic (1). Last evaluated 2025-02-07.

Conditions:
CNGA1-related disorder. Also called: CNGA1-related condition.
Retinitis pigmentosa 49 (RP49). Identifiers: Orphanet 791, MedGen C3151059, MONDO:0013405, OMIM 613756.

Allele frequency attached by ClinVar (database versions not stated): ExAC 0.00003; TOPMed 0.00006; gnomAD exomes 0.00007 and 0.00013; ESP Exome Variant Server 0.00017.
gnomAD v4.1: 202 of 1,614,010 alleles (0.013%); highest among the groups gnomAD compares: Non-Finnish European, 0.016%; 1 homozygote.

Submissions (4):

PreventionGenetics, part of Exact Sciences
Classification: Pathogenic for CNGA1-related condition. Last evaluated: 2025-02-07. Review status: criteria provided, single submitter. Criteria: ACMG Guidelines, 2015. Collection method: clinical testing. Allele origin: germline.
Comment: The CNGA1 c.1885C>T variant is predicted to result in premature protein termination (p.Arg629*). This variant has been reported in the compound heterozygous state in an individual with retinitis pigmentosa (Wang et al. 2014. PubMed ID: 24154662). This variant is located in the last exon of the gene, and therefore the resulting transcript may or may not undergo nonsense-mediated decay. However, other truncating variants in this region have also been reported in affected individuals (see, for example, Dryja et al. 1995. PubMed ID: 7479749). This variant is documented in 0.012% of alleles in individuals of European (Non-Finnish) descent in gnomAD. Nonsense variants in CNGA1 are expected to be pathogenic and therefore we interpret c.1885C>T (p.Arg629*) as pathogenic.

Labcorp Genetics (formerly Invitae), Labcorp
Classification: Pathogenic. Last evaluated: 2025-02-06. Review status: criteria provided, single submitter. Criteria: Invitae Variant Classification Sherloc (09022015). Collection method: clinical testing. Allele origin: germline.
Comment: This sequence change creates a premature translational stop signal (p.Arg629*) in the CNGA1 gene. While this is not anticipated to result in nonsense mediated decay, it is expected to disrupt the last 62 amino acid(s) of the CNGA1 protein. This variant is present in population databases (rs376959147, gnomAD 0.01%). This premature translational stop signal has been observed in individual(s) with a diagnosis or clinical features of retinitis pigmentosa (PMID: 24154662; internal data). In at least one individual the data is consistent with being in trans (on the opposite chromosome) from a pathogenic variant. ClinVar contains an entry for this variant (Variation ID: 972420). This variant disrupts the C-terminus of the CNGA1 protein. Other variant(s) that disrupt this region (p.Arg658Aspfs*2) have been observed in individuals with CNGA1-related conditions (PMID: 7479749). This suggests that this may be a clinically significant region of the protein. For these reasons, this variant has been classified as Pathogenic.

Fulgent Genetics
Classification: Likely pathogenic for Retinitis pigmentosa 49. Last evaluated: 2024-04-05. Review status: criteria provided, single submitter. Criteria: ACMG Guidelines, 2015. Collection method: clinical testing. Allele origin: germline.

Blueprint Genetics
Classification: Pathogenic for CNGA1-related disorders. Last evaluated: 2024-03-28. Review status: criteria provided, single submitter. Criteria: ACMG Guidelines, 2015. Collection method: clinical testing. Allele origin: germline. Affected: yes. Observed: 5 variant alleles.

Literature cited by the submitters: PubMed 24154662 (cited by Labcorp Genetics (formerly Invitae), Labcorp); PubMed 7479749 (cited by Labcorp Genetics (formerly Invitae), Labcorp).